The following is an entry in ClinVar:

ClinVar aggregate classification (germline): Uncertain significance. Review status: criteria provided, multiple submitters, no conflicts (2 of 4 stars). 2 submissions from 2 submitters: Uncertain significance (2). Last evaluated 2025-04-10.

Conditions:
Inborn genetic diseases. Identifiers: MedGen C0950123, MeSH D030342.

Allele frequency attached by ClinVar (database versions not stated): gnomAD exomes below 0.00001; gnomAD 0.00001.
gnomAD v4.1: 7 of 1,609,112 alleles (0.00044%); highest among the groups gnomAD compares: African/African-American, 0.0027%; no homozygotes.

Submissions (2):

Ambry Genetics
Classification: Uncertain significance for Inborn genetic diseases. Last evaluated: 2025-04-10. Review status: criteria provided, single submitter. Criteria: Ambry Variant Classification Scheme 2023. Collection method: clinical testing. Allele origin: germline.

Labcorp Genetics (formerly Invitae), Labcorp
Classification: Uncertain significance. Last evaluated: 2024-10-16. Review status: criteria provided, single submitter. Criteria: Invitae Variant Classification Sherloc (09022015). Collection method: clinical testing. Allele origin: germline.
Comment: This sequence change replaces proline, which is neutral and non-polar, with leucine, which is neutral and non-polar, at codon 863 of the COL7A1 protein (p.Pro863Leu). The frequency data for this variant in the population databases is considered unreliable, as metrics indicate poor data quality at this position in the gnomAD database. This variant has not been reported in the literature in individuals affected with COL7A1-related conditions. ClinVar contains an entry for this variant (Variation ID: 1524051). Experimental studies and prediction algorithms are not available or were not evaluated, and the functional significance of this variant is currently unknown. In summary, the available evidence is currently insufficient to determine the role of this variant in disease. Therefore, it has been classified as a Variant of Uncertain Significance.

NM_000094.4(COL7A1):c.2588C>T (p.Pro863Leu)

Gene: COL7A1 (collagen type VII alpha 1 chain; minus strand). Cytogenetic location: 3p21.31.
Variant type: single nucleotide variant.
Coding change: c.2588C>T on transcript NM_000094.4 (MANE Select); coding-DNA position 2588, C replaced by T.
Protein change: p.Pro863Leu; replaces proline 863 with leucine.
Molecular consequence: missense variant.
Genome position (GRCh38, 1-based): chr3:48,588,404, G>A on the plus strand (C>T on the coding strand, the complement: COL7A1 is on the minus strand). VCF-style: chr3-48588404-G-A. GRCh37 (hg19) VCF-style: chr3-48625837-G-A.
Other names: c.2588C>T (NM_000094.3); short protein forms P863L.
Identifiers: ClinVar variation 1524051 (VCV001524051.6), dbSNP rs968625343, ClinGen allele CA73987251.